The following is an entry in ClinVar:

NM_004064.5(CDKN1B):c.41A>G (p.Glu14Gly)

Gene: CDKN1B (cyclin dependent kinase inhibitor 1B; plus strand). Cytogenetic location: 12p13.1.
Variant type: single nucleotide variant.
Coding change: c.41A>G on transcript NM_004064.5 (MANE Select); coding-DNA position 41, A replaced by G.
Protein change: p.Glu14Gly; replaces glutamic acid 14 with glycine.
Molecular consequence: missense variant.
Genome position (GRCh38, 1-based): chr12:12,717,880, A>G. VCF-style: chr12-12717880-A-G. GRCh37 (hg19) VCF-style: chr12-12870814-A-G.
Other names: short protein forms E14G.
Identifiers: ClinVar variation 824669 (VCV000824669.8), dbSNP rs1467549866, ClinGen allele CA383968104.

ClinVar aggregate classification (germline): Uncertain significance. Review status: criteria provided, multiple submitters, no conflicts (2 of 4 stars). 2 submissions from 2 submitters: Uncertain significance (2). Last evaluated 2025-11-24.

Conditions:
Multiple endocrine neoplasia type 4. Also called: MULTIPLE ENDOCRINE NEOPLASIA, TYPE IV. Identifiers: Orphanet 276152, MedGen C1970712, MONDO:0012552, OMIM 610755.
Hereditary cancer-predisposing syndrome. Also called: Neoplastic Syndromes, Hereditary; Hereditary Cancer Syndrome; Hereditary neoplastic syndrome; Tumor predisposition. Identifiers: Orphanet 140162, MedGen C0027672, MeSH D009386, MONDO:0015356.

Allele frequency attached by ClinVar (database versions not stated): TOPMed below 0.00001.

Submissions (2):

Labcorp Genetics (formerly Invitae), Labcorp
Classification: Uncertain significance for Multiple endocrine neoplasia type 4. Last evaluated: 2025-11-24. Review status: criteria provided, single submitter. Criteria: Invitae Variant Classification Sherloc (09022015). Collection method: clinical testing. Allele origin: germline.
Comment: This sequence change replaces glutamic acid, which is acidic and polar, with glycine, which is neutral and non-polar, at codon 14 of the CDKN1B protein (p.Glu14Gly). This variant is not present in population databases (gnomAD no frequency). This variant has not been reported in the literature in individuals affected with CDKN1B-related conditions. ClinVar contains an entry for this variant (Variation ID: 824669). An algorithm developed to predict the effect of missense changes on protein structure and function (PolyPhen-2) suggests that this variant is likely to be disruptive. In summary, the available evidence is currently insufficient to determine the role of this variant in disease. Therefore, it has been classified as a Variant of Uncertain Significance.

Ambry Genetics
Classification: Uncertain significance for Hereditary cancer-predisposing syndrome. Last evaluated: 2024-08-30. Review status: criteria provided, single submitter. Criteria: Ambry Variant Classification Scheme 2023. Collection method: clinical testing. Allele origin: germline.
Comment: The p.E14G variant (also known as c.41A>G), located in coding exon 1 of the CDKN1B gene, results from an A to G substitution at nucleotide position 41. The glutamic acid at codon 14 is replaced by glycine, an amino acid with similar properties. This amino acid position is highly conserved in available vertebrate species. In addition, this alteration is predicted to be deleterious by in silico analysis. Based on the available evidence, the clinical significance of this variant remains unclear.